The following is an entry in ClinVar:

ClinVar aggregate classification (germline): Likely benign (1 of 4 stars; one submission).

Allele frequency attached by ClinVar (database versions not stated): 1000 Genomes Project 30x 0.00031; 1000 Genomes Project 0.00040; ExAC 0.00058.
gnomAD v4.1: 163 of 1,544,080 alleles (0.011%); highest among the groups gnomAD compares: South Asian, 0.12%; 2 homozygotes.

Submission:

CeGaT Center for Human Genetics Tuebingen
Classification: Likely benign. Last evaluated: 2024-02-01. Review status: criteria provided, single submitter. Criteria: CeGaT Center For Human Genetics Tuebingen Variant Classification Criteria Version 2. Collection method: clinical testing. Allele origin: germline. Affected: yes. Observed: 1 variant allele.
Comment: KIF26A: BP4, BP7

NM_015656.2(KIF26A):c.5628G>T (p.Gly1876=)

Gene: KIF26A (kinesin family member 26A; plus strand). Cytogenetic location: 14q32.33.
Variant type: single nucleotide variant.
Coding change: c.5628G>T on transcript NM_015656.2 (MANE Select); coding-DNA position 5628, G replaced by T.
Protein change: p.Gly1876=; no amino-acid change (glycine 1876 retained).
Molecular consequence: synonymous variant.
Genome position (GRCh38, 1-based): chr14:104,179,769, G>T. VCF-style: chr14-104179769-G-T. GRCh37 (hg19) VCF-style: chr14-104646106-G-T.
Identifiers: ClinVar variation 2644614 (VCV002644614.24), dbSNP rs545757125, ClinGen allele CA7371669.